The following is an entry in ClinVar:

NM_015059.3(TLN2):c.4095C>T (p.Cys1365=)

Gene: TLN2 (talin 2; plus strand). Cytogenetic location: 15q22.2.
Variant type: single nucleotide variant.
Coding change: c.4095C>T on transcript NM_015059.3 (MANE Select); coding-DNA position 4095, C replaced by T.
Protein change: p.Cys1365=; no amino-acid change (cysteine 1365 retained).
Molecular consequence: synonymous variant.
Genome position (GRCh38, 1-based): chr15:62,748,420, C>T. VCF-style: chr15-62748420-C-T. GRCh37 (hg19) VCF-style: chr15-63040619-C-T.
Other names: c.4095C>T, p.Cys1365= (NM_001394547.1).
Identifiers: ClinVar variation 2645412 (VCV002645412.24), dbSNP rs151024322, ClinGen allele CA7599770.

ClinVar aggregate classification (germline): Likely benign (1 of 4 stars; one submission).

Allele frequency attached by ClinVar (database versions not stated): 1000 Genomes Project 30x 0.00016; 1000 Genomes Project 0.00020; TOPMed 0.00079; ExAC 0.00082; gnomAD 0.00084; ESP Exome Variant Server 0.00108.
gnomAD v4.1: 1,122 of 1,613,708 alleles (0.07%); highest among the groups gnomAD compares: Non-Finnish European, 0.056%; 2 homozygotes.

Submission:

CeGaT Center for Human Genetics Tuebingen
Classification: Likely benign. Last evaluated: 2023-02-01. Review status: criteria provided, single submitter. Criteria: CeGaT Center For Human Genetics Tuebingen Variant Classification Criteria Version 2. Collection method: clinical testing. Allele origin: germline. Affected: yes. Observed: 1 variant allele.
Comment: TLN2: BP4, BP7